The following is an entry in ClinVar:

NM_005633.4(SOS1):c.3280G>A (p.Gly1094Ser)

Gene: SOS1 (SOS Ras/Rac guanine nucleotide exchange factor 1; minus strand). Cytogenetic location: 2p22.1.
Variant type: single nucleotide variant.
Coding change: c.3280G>A on transcript NM_005633.4 (MANE Select); coding-DNA position 3280, G replaced by A.
Protein change: p.Gly1094Ser; replaces glycine 1094 with serine.
Molecular consequence: missense variant.
Genome position (GRCh38, 1-based): chr2:38,995,189, C>T on the plus strand (G>A on the coding strand, the complement: SOS1 is on the minus strand). VCF-style: chr2-38995189-C-T. GRCh37 (hg19) VCF-style: chr2-39222330-C-T.
Other names: c.3259G>A, p.Gly1087Ser (NM_001382394.1); c.3280G>A, p.Gly1094Ser (NM_001382395.1); short protein forms G1087S, G1094S.
Identifiers: ClinVar variation 3224891 (VCV003224891.1), dbSNP rs963283940, ClinGen allele CA45646017.

ClinVar aggregate classification (germline): Uncertain significance (1 of 4 stars; one submission).

Conditions:
Cardiovascular phenotype. Identifiers: MedGen CN230736.

Allele frequency attached by ClinVar (database versions not stated): gnomAD exomes below 0.00001.
gnomAD v4.1: 3 of 1,613,972 alleles (0.00019%); highest among the groups gnomAD compares: Non-Finnish European, 0.00025%; no homozygotes.

Submission:

Ambry Genetics
Classification: Uncertain significance for Cardiovascular phenotype. Last evaluated: 2023-11-30. Review status: criteria provided, single submitter. Criteria: Ambry Variant Classification Scheme 2023. Collection method: clinical testing. Allele origin: germline.
Comment: The p.G1094S variant (also known as c.3280G>A), located in coding exon 20 of the SOS1 gene, results from a G to A substitution at nucleotide position 3280. The glycine at codon 1094 is replaced by serine, an amino acid with similar properties. This amino acid position is conserved. In addition, this alteration is predicted to be tolerated by in silico analysis. Since supporting evidence is limited at this time, the clinical significance of this alteration remains unclear.